The following is an entry in ClinVar:

NM_000548.5(TSC2):c.1619C>T (p.Ser540Phe)

Gene: TSC2 (TSC complex subunit 2; plus strand). Cytogenetic location: 16p13.3.
Variant type: single nucleotide variant.
Coding change: c.1619C>T on transcript NM_000548.5 (MANE Select); coding-DNA position 1619, C replaced by T.
Protein change: p.Ser540Phe; replaces serine 540 with phenylalanine.
Molecular consequence: missense variant.
Genome position (GRCh38, 1-based): chr16:2,065,538, C>T. VCF-style: chr16-2065538-C-T. GRCh37 (hg19) VCF-style: chr16-2115539-C-T.
Other names: c.1619C>T, p.Ser540Phe (NM_001077183.3, NM_001114382.3, NM_001363528.2 and 3 more transcripts); c.1508C>T, p.Ser503Phe (NM_001318827.2); c.1472C>T, p.Ser491Phe (NM_001318829.2); c.1019C>T, p.Ser340Phe (NM_001318831.2); c.1652C>T, p.Ser551Phe (NM_001318832.2); short protein forms S340F, S540F, S491F, S503F, S551F.
Identifiers: ClinVar variation 951196 (VCV000951196.15), dbSNP rs1296271407, ClinGen allele CA394267686.

ClinVar aggregate classification (germline): Conflicting classifications of pathogenicity. Review status: criteria provided, conflicting classifications (1 of 4 stars). 4 submissions from 4 submitters: Uncertain significance (2); Benign (1); Likely benign (1). Last evaluated 2025-04-08.

Conditions:
Hereditary cancer-predisposing syndrome. Also called: Neoplastic Syndromes, Hereditary; Tumor predisposition; Hereditary neoplastic syndrome; Hereditary Cancer Syndrome. Identifiers: Orphanet 140162, MedGen C0027672, MeSH D009386, MONDO:0015356.
Tuberous sclerosis 2 (TSC2). Identifiers: Orphanet 805, MedGen C1860707, MONDO:0013199, OMIM 613254.
Tuberous sclerosis syndrome (TSC). Also called: Tuberous Sclerosis Complex; Tuberous sclerosis. Identifiers: Orphanet 805, MedGen C0041341, MONDO:0001734.

Allele frequency attached by ClinVar (database versions not stated): gnomAD exomes below 0.00001.
gnomAD v4.1: 3 of 1,613,752 alleles (0.00019%); highest among the groups gnomAD compares: South Asian, 0.0011%; no homozygotes.

Submissions (4):

Ambry Genetics
Classification: Uncertain significance for Hereditary cancer-predisposing syndrome. Last evaluated: 2025-04-08. Review status: criteria provided, single submitter. Criteria: Ambry Variant Classification Scheme 2023. Collection method: clinical testing. Allele origin: germline.
Comment: The p.S540F variant (also known as c.1619C>T), located in coding exon 15 of the TSC2 gene, results from a C to T substitution at nucleotide position 1619. The serine at codon 540 is replaced by phenylalanine, an amino acid with highly dissimilar properties. This amino acid position is well conserved in available vertebrate species. In addition, the in silico prediction for this alteration is inconclusive. Based on the available evidence, the clinical significance of this variant remains unclear.

Labcorp Genetics (formerly Invitae), Labcorp
Classification: Benign for Tuberous sclerosis 2. Last evaluated: 2024-08-19. Review status: criteria provided, single submitter. Criteria: Invitae Variant Classification Sherloc (09022015). Collection method: clinical testing. Allele origin: germline.

All of Us Research Program, National Institutes of Health
Classification: Uncertain significance for Tuberous sclerosis syndrome. Last evaluated: 2023-05-04. Review status: criteria provided, single submitter. Criteria: ACMG Guidelines, 2015. Collection method: clinical testing. Allele origin: germline. Inheritance: Autosomal dominant inheritance. Observed: 1 variant allele, 1 heterozygote.
Comment: This missense variant replaces serine with phenylalanine at codon 540 of the TSC2 protein. Computational prediction suggests that this variant may not impact protein structure and function (internally defined REVEL score threshold <= 0.5, PMID: 27666373). To our knowledge, functional studies have not been reported for this variant. This variant has not been reported in individuals affected with tuberous sclerosis complex in the literature. This variant has been identified in 1/250236 chromosomes in the general population by the Genome Aggregation Database (gnomAD). The available evidence is insufficient to determine the role of this variant in disease conclusively. Therefore, this variant is classified as a Variant of Uncertain Significance.

This study involves interpretation of variants in research participants for the purpose of population health screening. Participant phenotype was not available at the time of variant classification. Additional details can be found in publication PMID: 35346344, PMCID: PMC8962531

Blueprint Genetics
Classification: Likely benign. Last evaluated: 2022-11-01. Review status: criteria provided, single submitter. Criteria: ACMG Guidelines, 2015. Collection method: clinical testing. Allele origin: germline.